The following is an entry in ClinVar:

ClinVar aggregate classification (germline): Uncertain significance (1 of 4 stars; one submission).

Conditions:
Hereditary breast ovarian cancer syndrome. Also called: Hereditary breast and/or ovarian cancer syndrome; Hereditary breast and ovarian cancer syndrome (HBOC); Breast and ovarian cancer; Hereditary breast and ovarian cancer; BRCA1- and BRCA2-Associated Hereditary Breast and Ovarian Cancer; Hereditary breast and ovarian cancer syndrome. Identifiers: Orphanet 145, MedGen C0677776, MeSH D061325, MONDO:0003582. Disease mechanism: loss of function.

Submission:

Labcorp Genetics (formerly Invitae), Labcorp
Classification: Uncertain significance for Hereditary breast ovarian cancer syndrome. Last evaluated: 2022-11-08. Review status: criteria provided, single submitter. Criteria: Invitae Variant Classification Sherloc (09022015). Collection method: clinical testing. Allele origin: germline.
Comment: In summary, the available evidence is currently insufficient to determine the role of this variant in disease. Therefore, it has been classified as a Variant of Uncertain Significance. This variant has not been reported in the literature in individuals affected with BRCA1-related conditions. This variant is a gross deletion of the genomic region encompassing exon(s) 8 of the BRCA1 gene. Loss-of-function variants in BRCA1 are expected to be pathogenic (PMID: 20104584). However, an in-frame BRCA1 isoform lacking exons 8 and 9 (also known as exons 9 and 10) is highly expressed in blood from unaffected individuals and in normal breast tissue; this isoform may retain protein function and could functionally rescue loss-of-function variants within exons 8-9 (PMID: 24569164).

Literature cited by the submitters: PubMed 20104584; PubMed 24569164.

NC_000017.11:g.(?_43097224)_(43097309_?)del

Gene: BRCA1 (BRCA1 DNA repair associated; minus strand). Cytogenetic location: 17q21.31.
Variant type: Deletion.
Identifiers: ClinVar variation 830819 (VCV000830819.3).